The following is an entry in ClinVar:

ClinVar aggregate classification (germline): Pathogenic. Review status: criteria provided, multiple submitters, no conflicts (2 of 4 stars). 2 submissions from 2 submitters: Pathogenic (2). Last evaluated 2025-12-23.

Conditions:
Neurofibromatosis, type 1 (NF1). Also called: Peripheral type neurofibromatosis; NEUROFIBROMATOSIS, TYPE I, SOMATIC; VON RECKLINGHAUSEN DISEASE; Neurofibromatosis, type I. Identifiers: Orphanet 636, MedGen C0027831, MONDO:0018975, OMIM 162200. Disease mechanism: loss of function.

Submissions (2):

Institute of Human Genetics, University of Leipzig Medical Center
Classification: Pathogenic for Neurofibromatosis, type 1. Last evaluated: 2025-12-23. Review status: criteria provided, single submitter. Criteria: ACMG Guidelines, 2015. Collection method: clinical testing. Allele origin: unknown. Inheritance: Autosomal dominant inheritance. Affected: yes.
Comment: Criteria applied: PVS1,PM2,PS4_SUP, PP4

Labcorp Genetics (formerly Invitae), Labcorp
Classification: Pathogenic for Neurofibromatosis, type 1. Last evaluated: 2022-03-13. Review status: criteria provided, single submitter. Criteria: Invitae Variant Classification Sherloc (09022015). Collection method: clinical testing. Allele origin: germline.
Comment: This sequence change creates a premature translational stop signal (p.Glu1795Glyfs*47) in the NF1 gene. It is expected to result in an absent or disrupted protein product. Loss-of-function variants in NF1 are known to be pathogenic (PMID: 10712197, 23913538). This variant is not present in population databases (gnomAD no frequency). This variant has not been reported in the literature in individuals affected with NF1-related conditions. For these reasons, this variant has been classified as Pathogenic.

Literature cited by the submitters: PubMed 10712197 (cited by Labcorp Genetics (formerly Invitae), Labcorp); PubMed 23913538 (cited by Labcorp Genetics (formerly Invitae), Labcorp).

NM_001042492.3(NF1):c.5447del (p.Glu1816fs)

Gene: NF1 (neurofibromin 1; plus strand). Cytogenetic location: 17q11.2.
Variant type: Deletion.
Coding change: c.5447del on transcript NM_001042492.3 (MANE Select); coding-DNA position 5447, one base deleted (A; older notation c.5447delA).
Protein change: p.Glu1816fs; shifts the reading frame from glutamic acid 1816.
Molecular consequence: frameshift variant.
Genome position (GRCh38, 1-based): chr17:31,327,677, A deleted. VCF-style (leftmost placement, unchanged base first): chr17-31327676-GA-G. GRCh37 (hg19) VCF-style: chr17-29654694-GA-G.
Other names: c.5384delA, p.Glu1795Glyfs (NM_000267.4); short protein forms E1816fs, E1795fs.
Identifiers: ClinVar variation 2110635 (VCV002110635.5), dbSNP rs2508706802, ClinGen allele CA2580093297.
Genomic context (GRCh38, chr17:31,327,676, plus strand): 5'-GAGAACCAGTTCACCTTAACCATTGCAAACCAGGGCACGCCGCTCACCTTCATGCACCAG[GA>G]GTGTGAAGCCATTGTCCAGTCTATCATTCATATCCGGACCCGCTGGGAACTGTCACAGCC-3'